The following is an entry in ClinVar:

NM_000459.5(TEK):c.233T>C (p.Val78Ala)

Gene: TEK (TEK receptor tyrosine kinase; plus strand). Cytogenetic location: 9p21.2.
Variant type: single nucleotide variant.
Coding change: c.233T>C on transcript NM_000459.5 (MANE Select); coding-DNA position 233, T replaced by C.
Protein change: p.Val78Ala; replaces valine 78 with alanine.
Molecular consequence: missense variant. On other transcripts: intron variant (1).
Genome position (GRCh38, 1-based): chr9:27,158,011, T>C. VCF-style: chr9-27158011-T-C. GRCh37 (hg19) VCF-style: chr9-27158009-T-C.
Other names: c.233T>C, p.Val78Ala (NM_001290077.2, NM_001375475.1, NM_001375476.1); c.53-10484T>C (NM_001290078.2); c.233T>C (NM_000459.4); short protein forms V78A.
Identifiers: ClinVar variation 2884778 (VCV002884778.4), dbSNP rs146302981, ClinGen allele CA5015865.

ClinVar aggregate classification (germline): Benign/Likely benign. Review status: criteria provided, multiple submitters, no conflicts (2 of 4 stars). 2 submissions from 2 submitters: Benign (1); Likely benign (1). Last evaluated 2025-03-06.

Conditions:
TEK-related disorder. Also called: TEK-related condition.

Allele frequency attached by ClinVar (database versions not stated): gnomAD exomes 0.00002; ExAC 0.00014; TOPMed 0.00024; gnomAD 0.00026; ESP Exome Variant Server 0.00069; 1000 Genomes Project 30x 0.00094; 1000 Genomes Project 0.00100.
gnomAD v4.1: 72 of 1,614,176 alleles (0.0045%); highest among the groups gnomAD compares: African/African-American, 0.085%; no homozygotes.

Submissions (2):

PreventionGenetics, part of Exact Sciences
Classification: Likely benign for TEK-related condition. Last evaluated: 2025-03-06. Review status: criteria provided, single submitter. Criteria: ACMG Guidelines, 2015. Collection method: clinical testing. Allele origin: germline.
Comment: This variant is classified as likely benign based on ACMG/AMP sequence variant interpretation guidelines (Richards et al. 2015 PMID: 25741868, with internal and published modifications).

Labcorp Genetics (formerly Invitae), Labcorp
Classification: Benign. Last evaluated: 2023-07-31. Review status: criteria provided, single submitter. Criteria: Invitae Variant Classification Sherloc (09022015). Collection method: clinical testing. Allele origin: germline.